The following is an entry in ClinVar:

ClinVar aggregate classification (germline): Likely benign (0 of 4 stars; one submission).

Conditions:
PLEKHG2-related disorder. Also called: PLEKHG2-related condition.

Allele frequency attached by ClinVar (database versions not stated): TOPMed 0.00001; gnomAD 0.00007; 1000 Genomes Project 30x 0.00047; 1000 Genomes Project 0.00060; ExAC 0.00071.
gnomAD v4.1: 145 of 1,543,442 alleles (0.0094%); highest among the groups gnomAD compares: South Asian, 0.16%; 1 homozygote.

Submission:

PreventionGenetics, part of Exact Sciences
Classification: Likely benign for PLEKHG2-related condition. Last evaluated: 2019-06-19. Review status: no assertion criteria provided. Collection method: clinical testing. Allele origin: germline.
Comment: This variant is classified as likely benign based on ACMG/AMP sequence variant interpretation guidelines (Richards et al. 2015 PMID: 25741868, with internal and published modifications).

NM_022835.3(PLEKHG2):c.930T>G (p.Ala310=)

Gene: PLEKHG2 (pleckstrin homology and RhoGEF domain containing G2; plus strand). Cytogenetic location: 19q13.2.
Variant type: single nucleotide variant.
Coding change: c.930T>G on transcript NM_022835.3 (MANE Select); coding-DNA position 930, T replaced by G.
Protein change: p.Ala310=; no amino-acid change (alanine 310 retained).
Molecular consequence: synonymous variant.
Genome position (GRCh38, 1-based): chr19:39,417,952, T>G. VCF-style: chr19-39417952-T-G. GRCh37 (hg19) VCF-style: chr19-39908592-T-G.
Other names: c.753T>G, p.Ala251= (NM_001351693.2); c.930T>G, p.Ala310= (NM_001351694.2).
Identifiers: ClinVar variation 3043249 (VCV003043249.2), dbSNP rs574057689, ClinGen allele CA9429293.